The following is an entry in ClinVar:

NM_020382.7(KMT5A):c.290-3C>A

Gene: KMT5A (lysine methyltransferase 5A; plus strand). Cytogenetic location: 12q24.31.
Variant type: single nucleotide variant.
Coding change: c.290-3C>A on transcript NM_020382.7 (MANE Select); 3 bases into the intron before coding-DNA position 290, C replaced by A.
Molecular consequence: intron variant.
Genome position (GRCh38, 1-based): chr12:123,395,044, C>A. VCF-style: chr12-123395044-C-A. GRCh37 (hg19) VCF-style: chr12-123879591-C-A.
Other names: c.200-3C>A (NM_001324504.2); c.119-3C>A (NM_001324505.2); c.-35-3C>A (NM_001367389.2, NM_001324506.2); c.272-3C>A (NM_001367386.2); c.179-3C>A (NM_001367388.2).
Identifiers: ClinVar variation 161732 (VCV000161732.2), dbSNP rs193920812, ClinGen allele CA174685.

ClinVar aggregate classification (germline): Uncertain significance (0 of 4 stars; one submission).

Conditions:
Prostate cancer. Also called: Malignant tumor of prostate. Identifiers: Orphanet 1331, MedGen C0376358, MONDO:0008315, HP:0012125.

Submission:

Science for Life laboratory,  Karolinska Institutet
Classification: Uncertain significance for Malignant tumor of prostate. Review status: no assertion criteria provided. Collection method: not provided. Allele origin: somatic.
Comment: TumorID:SWE-12B
ClinVar note: Converted during submission from Unknown to Uncertain significance.